The following is an entry in ClinVar:

ClinVar aggregate classification (germline): Uncertain significance (1 of 4 stars; one submission).

gnomAD v4.1: 2 of 1,614,218 alleles (0.00012%); highest among the groups gnomAD compares: Non-Finnish European, 0.00017%; no homozygotes.

Submission:

Labcorp Genetics (formerly Invitae), Labcorp
Classification: Uncertain significance. Last evaluated: 2022-03-18. Review status: criteria provided, single submitter. Criteria: Invitae Variant Classification Sherloc (09022015). Collection method: clinical testing. Allele origin: germline.
Comment: This sequence change replaces isoleucine, which is neutral and non-polar, with valine, which is neutral and non-polar, at codon 99 of the OAS1 protein (p.Ile99Val). This variant is present in population databases (no rsID available, gnomAD 0.0009%). This variant has not been reported in the literature in individuals affected with OAS1-related conditions. Algorithms developed to predict the effect of missense changes on protein structure and function are either unavailable or do not agree on the potential impact of this missense change (SIFT: "Not Available"; PolyPhen-2: "Possibly Damaging"; Align-GVGD: "Not Available"). In summary, the available evidence is currently insufficient to determine the role of this variant in disease. Therefore, it has been classified as a Variant of Uncertain Significance.

NM_016816.4(OAS1):c.295A>G (p.Ile99Val)

Gene: OAS1 (2'-5'-oligoadenylate synthetase 1; plus strand). Cytogenetic location: 12q24.13.
Variant type: single nucleotide variant.
Coding change: c.295A>G on transcript NM_016816.4 (MANE Select); coding-DNA position 295, A replaced by G.
Protein change: p.Ile99Val; replaces isoleucine 99 with valine.
Molecular consequence: missense variant.
Genome position (GRCh38, 1-based): chr12:112,908,650, A>G. VCF-style: chr12-112908650-A-G. GRCh37 (hg19) VCF-style: chr12-113346455-A-G.
Other names: c.295A>G, p.Ile99Val (NM_001032409.3, NM_001320151.2, NM_001406020.1 and 7 more transcripts); short protein forms I99V.
Identifiers: ClinVar variation 2080367 (VCV002080367.4), dbSNP rs753837415, ClinGen allele CA386800347.